The following is an entry in ClinVar:

ClinVar aggregate classification (germline): Uncertain significance. Review status: criteria provided, multiple submitters, no conflicts (2 of 4 stars). 2 submissions from 2 submitters: Uncertain significance (2). Last evaluated 2024-10-19.

Conditions:
Renal cell carcinoma. Identifiers: Orphanet 217071, MedGen C0007134, MeSH D002292, MONDO:0005086, HP:0005584.

Submissions (2):

Quest Diagnostics Nichols Institute San Juan Capistrano
Classification: Uncertain significance. Last evaluated: 2024-10-19. Review status: criteria provided, single submitter. Criteria: Quest Diagnostics criteria. Collection method: clinical testing. Allele origin: unknown.
Comment: The MET c.1052C>T (p.Pro351Leu) variant has not been reported in individuals with MET-related conditions in the published literature. It also has not been reported in large, multi-ethnic general populations (Genome Aggregation Database). Analysis of this variant using bioinformatics tools for the prediction of the effect of amino acid changes on protein structure and function yielded predictions that this variant is benign. Based on the available information, we are unable to determine the clinical significance of this variant.

Labcorp Genetics (formerly Invitae), Labcorp
Classification: Uncertain significance for Renal cell carcinoma. Last evaluated: 2022-10-01. Review status: criteria provided, single submitter. Criteria: Invitae Variant Classification Sherloc (09022015). Collection method: clinical testing. Allele origin: germline.
Comment: This sequence change replaces proline, which is neutral and non-polar, with leucine, which is neutral and non-polar, at codon 351 of the MET protein (p.Pro351Leu). In summary, the available evidence is currently insufficient to determine the role of this variant in disease. Therefore, it has been classified as a Variant of Uncertain Significance. Advanced modeling of protein sequence and biophysical properties (such as structural, functional, and spatial information, amino acid conservation, physicochemical variation, residue mobility, and thermodynamic stability) performed at Invitae indicates that this missense variant is not expected to disrupt MET protein function. This variant has not been reported in the literature in individuals affected with MET-related conditions. This variant is not present in population databases (gnomAD no frequency).

NM_000245.4(MET):c.1052C>T (p.Pro351Leu)

Gene: MET (MET proto-oncogene, receptor tyrosine kinase; plus strand). Cytogenetic location: 7q31.2.
Variant type: single nucleotide variant.
Coding change: c.1052C>T on transcript NM_000245.4 (MANE Select); coding-DNA position 1052, C replaced by T.
Protein change: p.Pro351Leu; replaces proline 351 with leucine.
Molecular consequence: missense variant. On other transcripts: intron variant (1).
Genome position (GRCh38, 1-based): chr7:116,700,136, C>T. VCF-style: chr7-116700136-C-T. GRCh37 (hg19) VCF-style: chr7-116340190-C-T.
Other names: c.1052C>T (NM_001127500.2); c.1052C>T, p.Pro351Leu (NM_001127500.3, NM_001324401.3); c.-91+27559C>T (NM_001324402.2); short protein forms P351L.
Identifiers: ClinVar variation 1720791 (VCV001720791.6), dbSNP rs2116604329, ClinGen allele CA368970436.